The following is an entry in ClinVar:

NM_001042492.3(NF1):c.8161-6T>G

Gene: NF1 (neurofibromin 1; plus strand). Cytogenetic location: 17q11.2.
Variant type: single nucleotide variant.
Coding change: c.8161-6T>G on transcript NM_001042492.3 (MANE Select); 6 bases into the intron before coding-DNA position 8161, T replaced by G.
Molecular consequence: intron variant.
Genome position (GRCh38, 1-based): chr17:31,360,481, T>G. VCF-style: chr17-31360481-T-G. GRCh37 (hg19) VCF-style: chr17-29687499-T-G.
Other names: c.8098-6T>G (NM_000267.4).
Identifiers: ClinVar variation 5025533 (VCV005025533.1).
Genomic context (GRCh38, chr17:31,360,481, plus strand): 5'-TTTGGCTTCAGATGGGGATTTACTTAAAAAAAAGGAACTAAAATAATTTCCTATTTTCCA[T>G]TACAGCAAACACAAATTCCAGACTATGCTGAGCTTATTGTTAAGTTTCTTGATGCCTTGA-3'

ClinVar aggregate classification (germline): Uncertain significance (1 of 4 stars; one submission).

Conditions:
Cardiovascular phenotype. Identifiers: MedGen CN230736.
Hereditary cancer-predisposing syndrome. Also called: Neoplastic Syndromes, Hereditary; Tumor predisposition; Hereditary neoplastic syndrome; Hereditary Cancer Syndrome. Identifiers: Orphanet 140162, MedGen C0027672, MeSH D009386, MONDO:0015356.

Submission:

Ambry Genetics
Classification: Uncertain significance for Cardiovascular phenotype; Hereditary cancer-predisposing syndrome. Last evaluated: 2026-07-08. Review status: criteria provided, single submitter. Criteria: Ambry Variant Classification Scheme 2023. Collection method: clinical testing. Allele origin: germline.
Comment: The c.8098-6T>G intronic variant results from a T to G substitution 6 nucleotides upstream from coding exon 56 in the NF1 gene. In silico splice site analysis predicts that this alteration will result in the creation or strengthening of a novel splice acceptor site; however, direct evidence is insufficient at this time (Ambry internal data). Based on the available evidence, the clinical significance of this variant remains unclear.